The following is an entry in ClinVar:

NM_000138.5(FBN1):c.2954G>A (p.Gly985Glu)

Gene: FBN1 (fibrillin 1; minus strand). Cytogenetic location: 15q21.1.
Variant type: single nucleotide variant.
Coding change: c.2954G>A on transcript NM_000138.5 (MANE Select); coding-DNA position 2954, G replaced by A.
Protein change: p.Gly985Glu; replaces glycine 985 with glutamic acid.
Molecular consequence: missense variant.
Genome position (GRCh38, 1-based): chr15:48,489,979, C>T on the plus strand (G>A on the coding strand, the complement: FBN1 is on the minus strand). VCF-style: chr15-48489979-C-T. GRCh37 (hg19) VCF-style: chr15-48782176-C-T.
Other names: short protein forms G985E.
Identifiers: ClinVar variation 16453 (VCV000016453.4), dbSNP rs137854477, ClinGen allele CA013595.

ClinVar aggregate classification (germline): Likely pathogenic. Review status: criteria provided, single submitter (1 of 4 stars). 2 submissions from 2 submitters: Likely pathogenic (1). 1 of the submissions does not count toward it. Last evaluated 2019-09-16.

Conditions:
Familial thoracic aortic aneurysm and aortic dissection (TAAD). Also called: Thoracic aortic aneurysms and dissections. Identifiers: Orphanet 91387, MedGen C4707243, MONDO:0019625.
Marfan syndrome, atypical. Identifiers: MedGen C4016055.

Submissions (2):

Ambry Genetics
Classification: Likely pathogenic for Familial thoracic aortic aneurysm and aortic dissection. Last evaluated: 2019-09-16. Review status: criteria provided, single submitter. Criteria: Ambry Variant Classification Scheme 2023. Collection method: clinical testing. Allele origin: germline.
Comment: The p.G985E variant (also known as c.2954G>A), located in coding exon 24 of the FBN1 gene, results from a G to A substitution at nucleotide position 2954. The glycine at codon 985 is replaced by glutamic acid, an amino acid with similar properties, and is located in the TGFBP #03 domain. This alteration has been reported in individuals with classical Marfan syndrome (Collod-B&eacute;roud G et al. Am. J. Hum. Genet., 1999 Sep;65:917-21; Stheneur C et al. Eur. J. Hum. Genet., 2009 Sep;17:1121-8). An alteration affecting the same amino acid (p.G985R, c.2953G>A) has been identified in multiple individuals with classical Marfan syndrome and reported to co-segregate with disease (Loeys B et al. Arc Intern Med. 2001;161(20):2447-54; Howarth R et al. Genet. Test., 2007;11:146-52; Ware AL et al. Cardiovasc. Pathol. 2016 Jun;25:418-22). This amino acid position is highly conserved in available vertebrate species. In addition, this alteration is predicted to be deleterious by in silico analysis. Based on the majority of available evidence to date, this variant is likely to be pathogenic.

OMIM
Classification: Pathogenic for MARFAN SYNDROME, ATYPICAL. Last evaluated: 1999-09-01. Review status: no assertion criteria provided. Collection method: literature only. Allele origin: germline. Not counted in ClinVar's aggregate classification.

Literature cited by the submitters: PubMed 10441597 (cited by Ambry Genetics and OMIM); PubMed 11700157 (cited by Ambry Genetics); PubMed 17627385 (cited by Ambry Genetics); PubMed 19293843 (cited by Ambry Genetics); PubMed 27479044 (cited by Ambry Genetics); PubMed 9399842 (cited by OMIM).